The following is an entry in ClinVar:

NM_001042492.3(NF1):c.1207C>T (p.Pro403Ser)

Gene: NF1 (neurofibromin 1; plus strand). Cytogenetic location: 17q11.2.
Variant type: single nucleotide variant.
Coding change: c.1207C>T on transcript NM_001042492.3 (MANE Select); coding-DNA position 1207, C replaced by T.
Protein change: p.Pro403Ser; replaces proline 403 with serine.
Molecular consequence: missense variant.
Genome position (GRCh38, 1-based): chr17:31,201,432, C>T. VCF-style: chr17-31201432-C-T. GRCh37 (hg19) VCF-style: chr17-29528450-C-T.
Other names: c.1207C>T, p.Pro403Ser (NM_000267.4, NM_001128147.3); short protein forms P403S.
Identifiers: ClinVar variation 964555 (VCV000964555.7), dbSNP rs2066527867, ClinGen allele CA398997499.

ClinVar aggregate classification (germline): Uncertain significance (1 of 4 stars; one submission).

Conditions:
Neurofibromatosis, type 1 (NF1). Also called: Neurofibromatosis, type I; Peripheral type neurofibromatosis; VON RECKLINGHAUSEN DISEASE; NEUROFIBROMATOSIS, TYPE I, SOMATIC. Identifiers: Orphanet 636, MedGen C0027831, MONDO:0018975, OMIM 162200. Disease mechanism: loss of function.

Submission:

Labcorp Genetics (formerly Invitae), Labcorp
Classification: Uncertain significance for Neurofibromatosis, type 1. Last evaluated: 2019-10-29. Review status: criteria provided, single submitter. Criteria: Invitae Variant Classification Sherloc (09022015). Collection method: clinical testing. Allele origin: germline.
Comment: This sequence change replaces proline with serine at codon 403 of the NF1 protein (p.Pro403Ser). The proline residue is highly conserved and there is a moderate physicochemical difference between proline and serine. This variant is not present in population databases (ExAC no frequency). This variant has been observed in an individual affected with clinical features of neurofibromatosis type 1 (PMID: 26056819). Algorithms developed to predict the effect of missense changes on protein structure and function are either unavailable or do not agree on the potential impact of this missense change (SIFT: "Tolerated"; PolyPhen-2: "Probably Damaging"; Align-GVGD: "Class C0"). In summary, the available evidence is currently insufficient to determine the role of this variant in disease. Therefore, it has been classified as a Variant of Uncertain Significance.

Literature cited by the submitters: PubMed 26056819.